The following is an entry in ClinVar:

NM_006785.4(MALT1):c.841G>A (p.Asp281Asn)

Gene: MALT1 (MALT1 paracaspase; plus strand). Cytogenetic location: 18q21.32.
Variant type: single nucleotide variant.
Coding change: c.841G>A on transcript NM_006785.4 (MANE Select); coding-DNA position 841, G replaced by A.
Protein change: p.Asp281Asn; replaces aspartic acid 281 with asparagine.
Molecular consequence: missense variant.
Genome position (GRCh38, 1-based): chr18:58,709,988, G>A. VCF-style: chr18-58709988-G-A. GRCh37 (hg19) VCF-style: chr18-56377220-G-A.
Other names: c.841G>A, p.Asp281Asn (NM_173844.3); short protein forms D281N.
Identifiers: ClinVar variation 855404 (VCV000855404.8), dbSNP rs750663793, ClinGen allele CA8977732.

ClinVar aggregate classification (germline): Uncertain significance (1 of 4 stars; one submission).

Conditions:
Combined immunodeficiency due to MALT1 deficiency. Also called: Immunodeficiency 12. Identifiers: Orphanet 397964, MedGen C3809583, MONDO:0014197, OMIM 615468.

Allele frequency attached by ClinVar (database versions not stated): TOPMed 0.00001; ExAC 0.00002.

Submission:

Labcorp Genetics (formerly Invitae), Labcorp
Classification: Uncertain significance for Combined immunodeficiency due to MALT1 deficiency. Last evaluated: 2022-09-06. Review status: criteria provided, single submitter. Criteria: Invitae Variant Classification Sherloc (09022015). Collection method: clinical testing. Allele origin: germline.
Comment: In summary, the available evidence is currently insufficient to determine the role of this variant in disease. Therefore, it has been classified as a Variant of Uncertain Significance. Algorithms developed to predict the effect of missense changes on protein structure and function (SIFT, PolyPhen-2, Align-GVGD) all suggest that this variant is likely to be tolerated. ClinVar contains an entry for this variant (Variation ID: 855404). This variant has not been reported in the literature in individuals affected with MALT1-related conditions. This variant is present in population databases (rs750663793, gnomAD 0.006%). This sequence change replaces aspartic acid, which is acidic and polar, with asparagine, which is neutral and polar, at codon 281 of the MALT1 protein (p.Asp281Asn).